The following is an entry in ClinVar:

NM_000170.3(GLDC):c.2450A>G (p.Tyr817Cys)

Gene: GLDC (glycine decarboxylase; minus strand). Cytogenetic location: 9p24.1.
Variant type: single nucleotide variant.
Coding change: c.2450A>G on transcript NM_000170.3 (MANE Select); coding-DNA position 2450, A replaced by G.
Protein change: p.Tyr817Cys; replaces tyrosine 817 with cysteine.
Molecular consequence: missense variant.
Genome position (GRCh38, 1-based): chr9:6,553,375, T>C on the plus strand (A>G on the coding strand, the complement: GLDC is on the minus strand). VCF-style: chr9-6553375-T-C. GRCh37 (hg19) VCF-style: chr9-6553375-T-C.
Other names: short protein forms Y817C.
Identifiers: ClinVar variation 4526241 (VCV004526241.1).

ClinVar aggregate classification (germline): Uncertain significance (1 of 4 stars; one submission).

gnomAD v4.1: 2 of 1,613,958 alleles (0.00012%); highest among the groups gnomAD compares: Non-Finnish European, 0.00017%; no homozygotes.

Submission:

Women's Health and Genetics/Laboratory Corporation of America, LabCorp
Classification: Uncertain significance. Last evaluated: 2025-07-23. Review status: criteria provided, single submitter. Criteria: LabCorp Variant Classification Summary - May 2015. Collection method: clinical testing. Allele origin: germline.
Comment: Variant summary: GLDC c.2450A>G (p.Tyr817Cys) results in a non-conservative amino acid change in the encoded protein sequence. Algorithms developed to predict the effect of missense changes on protein structure and function all suggest that this variant is likely to be disruptive. The variant was absent in 251400 control chromosomes (gnomAD). The available data on variant occurrences in the general population are insufficient to allow any conclusion about variant significance. c.2450A>G has been observed in an individual affected with Glycine Encephalopathy (Non-Ketotic Hyperglycinemia)(Swanson_2015). These data do not allow any conclusion about variant significance. To our knowledge, no experimental evidence demonstrating an impact on protein function has been reported. The following publication has been ascertained in the context of this evaluation (PMID: 26179960). No submitters have cited clinical-significance assessments for this variant to ClinVar. Based on the evidence outlined above, the variant was classified as uncertain significance.

Literature cited by the submitters: PubMed 26179960.